The following is an entry in ClinVar:

NM_001035.3(RYR2):c.1175T>C (p.Ile392Thr)

Gene: RYR2 (ryanodine receptor 2; plus strand). Cytogenetic location: 1q43.
Variant type: single nucleotide variant.
Coding change: c.1175T>C on transcript NM_001035.3 (MANE Select); coding-DNA position 1175, T replaced by C.
Protein change: p.Ile392Thr; replaces isoleucine 392 with threonine.
Molecular consequence: missense variant.
Genome position (GRCh38, 1-based): chr1:237,445,405, T>C. VCF-style: chr1-237445405-T-C. GRCh37 (hg19) VCF-style: chr1-237608705-T-C.
Other names: short protein forms I392T.
Identifiers: ClinVar variation 1041676 (VCV001041676.10), dbSNP rs1267247155, ClinGen allele CA345377323.
Genomic context (GRCh38, chr1:237,445,405, plus strand): 5'-CTCTAGTTTGGAAAAGAGACGTTGGGAGTAATGGCCTTATTTTTGCTTTCTTACAGGCTA[T>C]TATGCATCATGAAGGCCACATGGATGATGGCATAAGTTTGTCGAGATCCCAGCATGAAGA-3'
Protein context (NP_001026.2, residues 382-402): VRMGSIQRKA[Ile392Thr]MHHEGHMDDG

ClinVar aggregate classification (germline): Uncertain significance (1 of 4 stars; one submission).

Conditions:
Catecholaminergic polymorphic ventricular tachycardia 1. Also called: VENTRICULAR TACHYCARDIA, CATECHOLAMINERGIC POLYMORPHIC, 1, WITH OR WITHOUT ATRIAL DYSFUNCTION AND/OR DILATED CARDIOMYOPATHY; VENTRICULAR TACHYCARDIA, STRESS-INDUCED POLYMORPHIC 1; RYR2-Related Catecholaminergic Polymorphic Ventricular Tachycardia. Identifiers: Orphanet 3286, MedGen C1631597, MONDO:0011484, OMIM 604772.

Allele frequency attached by ClinVar (database versions not stated): gnomAD exomes below 0.00001; TOPMed 0.00001.
gnomAD v4.1: 2 of 1,613,452 alleles (0.00012%); highest among the groups gnomAD compares: African/African-American, 0.0013%; no homozygotes.

Submission:

Labcorp Genetics (formerly Invitae), Labcorp
Classification: Uncertain significance for Catecholaminergic polymorphic ventricular tachycardia 1. Last evaluated: 2023-04-07. Review status: criteria provided, single submitter. Criteria: Invitae Variant Classification Sherloc (09022015). Collection method: clinical testing. Allele origin: germline.
Comment: In summary, the available evidence is currently insufficient to determine the role of this variant in disease. Therefore, it has been classified as a Variant of Uncertain Significance. Advanced modeling of protein sequence and biophysical properties (such as structural, functional, and spatial information, amino acid conservation, physicochemical variation, residue mobility, and thermodynamic stability) has been performed at Invitae for this missense variant, however the output from this modeling did not meet the statistical confidence thresholds required to predict the impact of this variant on RYR2 protein function. ClinVar contains an entry for this variant (Variation ID: 1041676). This variant has not been reported in the literature in individuals affected with RYR2-related conditions. This variant is not present in population databases (gnomAD no frequency). This sequence change replaces isoleucine, which is neutral and non-polar, with threonine, which is neutral and polar, at codon 392 of the RYR2 protein (p.Ile392Thr).